The following is an entry in ClinVar:

NM_002691.4(POLD1):c.2560G>A (p.Asp854Asn)

Gene: POLD1 (DNA polymerase delta 1, catalytic subunit; plus strand). Cytogenetic location: 19q13.33.
Variant type: single nucleotide variant.
Coding change: c.2560G>A on transcript NM_002691.4 (MANE Select); coding-DNA position 2560, G replaced by A.
Protein change: p.Asp854Asn; replaces aspartic acid 854 with asparagine.
Molecular consequence: missense variant. On other transcripts: non-coding transcript variant (1).
Genome position (GRCh38, 1-based): chr19:50,414,986, G>A. VCF-style: chr19-50414986-G-A. GRCh37 (hg19) VCF-style: chr19-50918243-G-A.
Other names: c.2560G>A, p.Asp854Asn (NM_001256849.1); c.2638G>A, p.Asp880Asn (NM_001308632.1); c.2560G>A (NM_002691.2); short protein forms D854N, D880N.
Identifiers: ClinVar variation 239299 (VCV000239299.32), dbSNP rs373650022, ClinGen allele CA9596554.
Genomic context (GRCh38, chr19:50,414,986, plus strand): 5'-AGGGACAACTGCCCCCTCGTGGCCAACCTGGTCACTGCCTCACTGCGCCGCCTGCTCATC[G>A]ACCGGTGTGTGGGGCCTCCTCCCTCAGACTCAGGGGGCTGGGCCCCAAACCCCTCCTCCC-3'
Protein context (NP_002682.2, residues 844-864): VTASLRRLLI[Asp854Asn]RDPEGAVAHA

ClinVar aggregate classification (germline): Conflicting classifications of pathogenicity. Review status: criteria provided, conflicting classifications (1 of 4 stars). 12 submissions from 12 submitters: Uncertain significance (10); Benign (1); Likely benign (1). Last evaluated 2026-02-11.

Conditions:
Hereditary cancer-predisposing syndrome. Also called: Hereditary Cancer Syndrome; Neoplastic Syndromes, Hereditary; Hereditary neoplastic syndrome; Tumor predisposition. Identifiers: Orphanet 140162, MedGen C0027672, MeSH D009386, MONDO:0015356.
POLD1-related polyposis and colorectal cancer syndrome (CRCS10). Also called: COLORECTAL CANCER, SUSCEPTIBILITY TO, ON CHROMOSOME 19q; Colorectal cancer 10; Colorectal cancer, susceptibility to, 10. Identifiers: Orphanet 220460, MedGen C2675481, MONDO:0012953, OMIM 612591.
Immunodeficiency 120. Identifiers: MedGen C5935622, MONDO:0970994, OMIM 620836.
Mandibular hypoplasia-deafness-progeroid syndrome. Also called: Mandibular hypoplasia, deafness, progeroid features, and lipodystrophy syndrome. Identifiers: Orphanet 363649, MedGen C3715192, MONDO:0014157, OMIM 615381.
POLD1-related disorder. Also called: POLD1-related condition; POLD1-related disorders.

Allele frequency attached by ClinVar (database versions not stated): TOPMed 0.00002.
gnomAD v4.1: 75 of 1,575,790 alleles (0.0048%); highest among the groups gnomAD compares: East Asian, 0.012%; no homozygotes.

Submissions (12):

St. Jude Molecular Pathology, St. Jude Children's Research Hospital
Classification: Uncertain significance for POLD1-related polyposis and colorectal cancer syndrome. Last evaluated: 2026-02-11. Review status: criteria provided, single submitter. Criteria: St. Jude Assertion Criteria 2020. Collection method: clinical testing. Allele origin: germline.
Comment: The POLD1 c.2560G>A p.(Asp854Asn) missense change has a maximum subpopulation frequency of 0.015% in gnomAD v2.1.1. The in silico tool REVEL predicts a benign effect on protein function, but to our knowledge this prediction has not been confirmed by functional studies. To our knowledge, this variant has not been reported in individuals with POLD1-related disease. In summary, the evidence currently available is insufficient to determine the clinical significance of this variant. It has therefore been classified as of uncertain significance.

Labcorp Genetics (formerly Invitae), Labcorp
Classification: Uncertain significance for POLD1-related polyposis and colorectal cancer syndrome. Last evaluated: 2026-01-27. Review status: criteria provided, single submitter. Criteria: Invitae Variant Classification Sherloc (09022015). Collection method: clinical testing. Allele origin: germline.
Comment: This sequence change replaces aspartic acid, which is acidic and polar, with asparagine, which is neutral and polar, at codon 854 of the POLD1 protein (p.Asp854Asn). The frequency data for this variant in the population databases is considered unreliable, as metrics indicate poor data quality at this position in the gnomAD database. This variant has not been reported in the literature in individuals affected with POLD1-related conditions. ClinVar contains an entry for this variant (Variation ID: 239299). Invitae Evidence Modeling of protein sequence and biophysical properties (such as structural, functional, and spatial information, amino acid conservation, physicochemical variation, residue mobility, and thermodynamic stability) indicates that this missense variant is not expected to disrupt POLD1 protein function with a negative predictive value of 80%. In summary, the available evidence is currently insufficient to determine the role of this variant in disease. Therefore, it has been classified as a Variant of Uncertain Significance.

GeneDx
Classification: Uncertain significance. Last evaluated: 2025-07-20. Review status: criteria provided, single submitter. Criteria: GeneDx Variant Classification Process June 2021. Collection method: clinical testing. Allele origin: germline. Affected: yes.
Comment: In silico analysis supports that this missense variant has a deleterious effect on protein structure/function; Observed in an individual with a personal and/or family history of breast cancer (PMID: 37656691); This variant is associated with the following publications: (PMID: 37656691)

Laboratory of Genetics, Children's Clinical University Hospital Latvia
Classification: Benign. Last evaluated: 2025-02-16. Review status: criteria provided, single submitter. Criteria: ACMG Guidelines, 2015. Collection method: clinical testing. Allele origin: germline. Affected: yes.

Ambry Genetics
Classification: Likely benign for Hereditary cancer-predisposing syndrome. Last evaluated: 2024-12-09. Review status: criteria provided, single submitter. Criteria: Ambry Variant Classification Scheme 2023. Collection method: clinical testing. Allele origin: germline.

Department of Pathology and Laboratory Medicine, Sinai Health System
Classification: Uncertain significance for POLD1-related polyposis and colorectal cancer syndrome; Mandibular hypoplasia-deafness-progeroid syndrome; Immunodeficiency 120. Last evaluated: 2024-08-08. Review status: criteria provided, single submitter. Criteria: ACMG Guidelines, 2015. Collection method: clinical testing. Allele origin: germline.

Blueprint Genetics
Classification: Uncertain significance. Last evaluated: 2024-07-08. Review status: criteria provided, single submitter. Criteria: ACMG Guidelines, 2015. Collection method: clinical testing. Allele origin: germline.

Fulgent Genetics
Classification: Uncertain significance for POLD1-related polyposis and colorectal cancer syndrome; Mandibular hypoplasia-deafness-progeroid syndrome; Immunodeficiency 120. Last evaluated: 2024-04-12. Review status: criteria provided, single submitter. Criteria: ACMG Guidelines, 2015. Collection method: clinical testing. Allele origin: germline.

PreventionGenetics, part of Exact Sciences
Classification: Uncertain significance for POLD1-related condition. Last evaluated: 2023-05-26. Review status: criteria provided, single submitter. Criteria: ACMG Guidelines, 2015. Collection method: clinical testing. Allele origin: germline.
Comment: The POLD1 c.2560G>A variant is predicted to result in the amino acid substitution p.Asp854Asn. To our knowledge, this variant has not been reported in the literature. This variant is reported in 0.015% of alleles in individuals of European (Non-Finnish) descent in gnomAD and is interpreted as a variant of uncertain significance in ClinVar. At this time, the clinical significance of this variant is uncertain due to the absence of conclusive functional and genetic evidence.

Clinical Genetics Laboratory, Skane University Hospital Lund
Classification: Uncertain significance. Last evaluated: 2022-05-27. Review status: criteria provided, single submitter. Criteria: ACMG Guidelines, 2015. Collection method: clinical testing. Allele origin: germline. Affected: yes.

Institute for Clinical Genetics, University Hospital TU Dresden, University Hospital TU Dresden
Classification: Uncertain significance. Last evaluated: 2021-11-03. Review status: criteria provided, single submitter. Criteria: ACMG Guidelines, 2015. Collection method: clinical testing. Allele origin: germline.

Quest Diagnostics Nichols Institute San Juan Capistrano
Classification: Uncertain significance. Last evaluated: 2020-04-20. Review status: criteria provided, single submitter. Criteria: Quest Diagnostics criteria. Collection method: clinical testing. Allele origin: unknown.